The following is an entry in ClinVar:

ClinVar aggregate classification (germline): Likely benign. Review status: criteria provided, multiple submitters, no conflicts (2 of 4 stars). 2 submissions from 2 submitters: Likely benign (2). Last evaluated 2024-11-03.

Conditions:
Epilepsy, progressive myoclonic, 1B. Also called: PME. Identifiers: Orphanet 308, MedGen C2676254, MONDO:0012904, OMIM 612437.

Allele frequency attached by ClinVar (database versions not stated): gnomAD 0.00001; gnomAD exomes 0.00001; TOPMed 0.00001; ExAC 0.00003; ESP Exome Variant Server 0.00008.
gnomAD v4.1: 12 of 1,613,456 alleles (0.00074%); highest among the groups gnomAD compares: Admixed American, 0.0017%; no homozygotes.

Submissions (2):

Labcorp Genetics (formerly Invitae), Labcorp
Classification: Likely benign for Epilepsy, progressive myoclonic, 1B. Last evaluated: 2024-11-03. Review status: criteria provided, single submitter. Criteria: Invitae Variant Classification Sherloc (09022015). Collection method: clinical testing. Allele origin: germline.

GeneDx
Classification: Likely benign. Last evaluated: 2018-01-09. Review status: criteria provided, single submitter. Criteria: GeneDx Variant Classification (06012015). Collection method: clinical testing. Allele origin: germline. Affected: yes.
Comment: This variant is considered likely benign or benign based on one or more of the following criteria: it is a conservative change, it occurs at a poorly conserved position in the protein, it is predicted to be benign by multiple in silico algorithms, and/or has population frequency not consistent with disease.

NM_153026.3(PRICKLE1):c.776-16A>G

Genes: PRICKLE1 (prickle planar cell polarity protein 1; minus strand), LOC126861509 (BRD4-independent group 4 enhancer GRCh37_chr12:42858567-42859766; plus strand). Cytogenetic location: 12q12.
Variant type: single nucleotide variant.
Coding change: c.776-16A>G on transcript NM_153026.3 (MANE Select); 16 bases into the intron before coding-DNA position 776, A replaced by G.
Molecular consequence: intron variant.
Genome position (GRCh38, 1-based): chr12:42,465,274, T>C on the plus strand (A>G on the coding strand, the complement: PRICKLE1 is on the minus strand). VCF-style: chr12-42465274-T-C. GRCh37 (hg19) VCF-style: chr12-42859076-T-C.
Other names: c.776-16A>G (NM_001144883.2, NM_001144882.2, NM_001144881.2).
Identifiers: ClinVar variation 514487 (VCV000514487.3), dbSNP rs370970392, ClinGen allele CA6519835.